The following is an entry in ClinVar:

ClinVar aggregate classification (germline): Uncertain significance (1 of 4 stars; one submission).

Conditions:
Waardenburg syndrome type 4C (WS4C). Also called: WAARDENBURG SYNDROME WITH HIRSCHSPRUNG DISEASE, TYPE 4C. Identifiers: Orphanet 897, MedGen C2750452, MONDO:0013202, OMIM 613266.

Submission:

3billion
Classification: Uncertain significance for Waardenburg syndrome type 4C. Last evaluated: 2025-05-11. Review status: criteria provided, single submitter. Criteria: ACMG Guidelines, 2015. Collection method: clinical testing. Allele origin: germline. Affected: yes.
Comment: The variant is not observed in the gnomAD v4.1.0 dataset. Predicted Consequence/Location: Missense variant In silico tool predictions suggest damaging effect of the variant on gene or gene product [REVEL: 0.96 (>=0.6, sensitivity 0.68 and specificity 0.92); 3Cnet: 0.99 (> 0.75, sensitivity 0.96 and precision 0.92)]. A different missense change at the same codon (p.Ala115Thr) has been reported to be associated with SOX10-related disorder (ClinVar ID: VCV003601821). However the evidence of pathogenicity is insufficient at this time. Therefore, this variant is classified as VUS according to the recommendation of ACMG/AMP guideline.

NM_006941.4(SOX10):c.344C>T (p.Ala115Val)

Genes: POLR2F (RNA polymerase II, I and III subunit F; plus strand), SOX10 (SRY-box transcription factor 10; minus strand). Cytogenetic location: 22q13.1.
Variant type: single nucleotide variant.
Coding change: c.344C>T on transcript NM_006941.4 (MANE Select); coding-DNA position 344, C replaced by T.
Protein change: p.Ala115Val; replaces alanine 115 with valine.
Molecular consequence: missense variant. On other transcripts: intron variant (3).
Genome position (GRCh38, 1-based): chr22:37,983,441, G>A on the plus strand (C>T on the coding strand, the complement: SOX10 is on the minus strand). VCF-style: chr22-37983441-G-A. GRCh37 (hg19) VCF-style: chr22-38379448-G-A.
Other names: c.*38+11131G>A (NM_001363825.1); c.294-2713G>A (NM_001301130.2); c.293+16271G>A (NM_001301131.2); short protein forms A115V.
Identifiers: ClinVar variation 4854863 (VCV004854863.1).